The following is an entry in ClinVar:

NM_001854.4(COL11A1):c.2809-2A>G

Gene: COL11A1 (collagen type XI alpha 1 chain; minus strand). Cytogenetic location: 1p21.1.
Variant type: single nucleotide variant.
Coding change: c.2809-2A>G on transcript NM_001854.4 (MANE Select); the canonical splice acceptor site of the intron before coding-DNA position 2809, A replaced by G.
Molecular consequence: splice acceptor variant.
Genome position (GRCh38, 1-based): chr1:102,970,274, T>C on the plus strand (A>G on the coding strand, the complement: COL11A1 is on the minus strand). VCF-style: chr1-102970274-T-C. GRCh37 (hg19) VCF-style: chr1-103435830-T-C.
Other names: c.2692-2A>G (NM_001190709.2); c.2845-2A>G (NM_080629.3); c.2461-2A>G (NM_080630.4).
Identifiers: ClinVar variation 845674 (VCV000845674.8), dbSNP rs1661835277, ClinGen allele CA341160839.

ClinVar aggregate classification (germline): Pathogenic (1 of 4 stars; one submission).

Submission:

Labcorp Genetics (formerly Invitae), Labcorp
Classification: Pathogenic. Last evaluated: 2023-02-14. Review status: criteria provided, single submitter. Criteria: Invitae Variant Classification Sherloc (09022015). Collection method: clinical testing. Allele origin: germline.
Comment: This sequence change affects an acceptor splice site in intron 36 of the COL11A1 gene. RNA analysis indicates that disruption of this splice site induces altered splicing and likely results in a shortened protein product. This variant is not present in population databases (gnomAD no frequency). Disruption of this splice site has been observed in individual(s) with autosomal dominant Stickler syndrome (PMID: 33348901). In at least one individual the variant was observed to be de novo. ClinVar contains an entry for this variant (Variation ID: 845674). Studies have shown that disruption of this splice site results in skipping of exon 37, but is expected to preserve the integrity of the reading-frame (PMID: 33348901). For these reasons, this variant has been classified as Pathogenic.

Literature cited by the submitters: PubMed 33348901.